The following is an entry in ClinVar:

ClinVar aggregate classification (germline): Uncertain significance (1 of 4 stars; one submission).

Conditions:
Camptomelic dysplasia (CMPD). Also called: CMPD1/SRA1; Campomelic Dysplasia. Identifiers: Orphanet 140, MedGen C1861922, MONDO:0007251, OMIM 114290.

Submission:

Labcorp Genetics (formerly Invitae), Labcorp
Classification: Uncertain significance for Camptomelic dysplasia. Last evaluated: 2022-05-12. Review status: criteria provided, single submitter. Criteria: Invitae Variant Classification Sherloc (09022015). Collection method: clinical testing. Allele origin: germline.
Comment: This variant is not present in population databases (gnomAD no frequency). This sequence change replaces glutamic acid, which is acidic and polar, with lysine, which is basic and polar, at codon 220 of the SOX9 protein (p.Glu220Lys). This variant has not been reported in the literature in individuals affected with SOX9-related conditions. In summary, the available evidence is currently insufficient to determine the role of this variant in disease. Therefore, it has been classified as a Variant of Uncertain Significance. Advanced modeling of protein sequence and biophysical properties (such as structural, functional, and spatial information, amino acid conservation, physicochemical variation, residue mobility, and thermodynamic stability) performed at Invitae indicates that this missense variant is expected to disrupt SOX9 protein function.

NM_000346.4(SOX9):c.658G>A (p.Glu220Lys)

Gene: SOX9 (SRY-box transcription factor 9; plus strand). Cytogenetic location: 17q24.3.
Variant type: single nucleotide variant.
Coding change: c.658G>A on transcript NM_000346.4 (MANE Select); coding-DNA position 658, G replaced by A.
Protein change: p.Glu220Lys; replaces glutamic acid 220 with lysine.
Molecular consequence: missense variant.
Genome position (GRCh38, 1-based): chr17:72,122,945, G>A. VCF-style: chr17-72122945-G-A. GRCh37 (hg19) VCF-style: chr17-70119086-G-A.
Other names: short protein forms E220K.
Identifiers: ClinVar variation 1993794 (VCV001993794.4), dbSNP rs2143247211, ClinGen allele CA400866762.
Genomic context (GRCh38, chr17:72,122,945, plus strand): 5'-CCCAACGCCATCTTCAAGGCGCTGCAGGCCGACTCGCCACACTCCTCCTCCGGCATGAGC[G>A]AGGTGCACTCCCCCGGCGAGCACTCGGGTGAGTCGCCCCTCGACCCCACCGGACAAGCTA-3'
Protein context (NP_000337.1, residues 210-230): DSPHSSSGMS[Glu220Lys]VHSPGEHSGQ